The following is an entry in ClinVar:

NM_020433.5(JPH2):c.2035A>G (p.Met679Val)

Gene: JPH2 (junctophilin 2; minus strand). Cytogenetic location: 20q13.12.
Variant type: single nucleotide variant.
Coding change: c.2035A>G on transcript NM_020433.5 (MANE Select); coding-DNA position 2035, A replaced by G.
Protein change: p.Met679Val; replaces methionine 679 with valine.
Molecular consequence: missense variant.
Genome position (GRCh38, 1-based): chr20:44,114,852, T>C on the plus strand (A>G on the coding strand, the complement: JPH2 is on the minus strand). VCF-style: chr20-44114852-T-C. GRCh37 (hg19) VCF-style: chr20-42743492-T-C.
Other names: short protein forms M679V.
Identifiers: ClinVar variation 3015728 (VCV003015728.3), dbSNP rs747129040, ClinGen allele CA9868518.

ClinVar aggregate classification (germline): Uncertain significance (1 of 4 stars; one submission).

Conditions:
Hypertrophic cardiomyopathy. Also called: HYPERTROPHIC MYOCARDIOPATHY. Identifiers: Orphanet 217569, MedGen C0007194, MeSH D002312, MONDO:0005045, HP:0001639.

Allele frequency attached by ClinVar (database versions not stated): ExAC 0.00001; gnomAD 0.00001; TOPMed 0.00001.

Submission:

Labcorp Genetics (formerly Invitae), Labcorp
Classification: Uncertain significance for Hypertrophic cardiomyopathy. Last evaluated: 2023-11-22. Review status: criteria provided, single submitter. Criteria: Invitae Variant Classification Sherloc (09022015). Collection method: clinical testing. Allele origin: germline.
Comment: This sequence change replaces methionine, which is neutral and non-polar, with valine, which is neutral and non-polar, at codon 679 of the JPH2 protein (p.Met679Val). The frequency data for this variant in the population databases is considered unreliable, as metrics indicate poor data quality at this position in the gnomAD database. This variant has not been reported in the literature in individuals affected with JPH2-related conditions. An algorithm developed to predict the effect of missense changes on protein structure and function (PolyPhen-2) suggests that this variant is likely to be disruptive. In summary, the available evidence is currently insufficient to determine the role of this variant in disease. Therefore, it has been classified as a Variant of Uncertain Significance.